The following is an entry in ClinVar:

ClinVar aggregate classification (germline): Uncertain significance. Review status: criteria provided, multiple submitters, no conflicts (2 of 4 stars). 2 submissions from 2 submitters: Uncertain significance (2). Last evaluated 2025-05-19.

Conditions:
KBG syndrome (KBGS). Also called: ANKRD11-Related KBG Syndrome. Identifiers: Orphanet 2332, MedGen C0220687, MONDO:0007846, OMIM 148050.
Inborn genetic diseases. Identifiers: MedGen C0950123, MeSH D030342.

gnomAD v4.1: 1 of 1,614,022 alleles (0.000062%); highest among the groups gnomAD compares: African/African-American, 0.0013%; no homozygotes.

Submissions (2):

Ambry Genetics
Classification: Uncertain significance for Inborn genetic diseases. Last evaluated: 2025-05-19. Review status: criteria provided, single submitter. Criteria: Ambry Variant Classification Scheme 2023. Collection method: clinical testing. Allele origin: germline.

New York Genome Center
Classification: Uncertain significance for KBG syndrome. Last evaluated: 2021-05-07. Review status: criteria provided, single submitter. Criteria: NYGC Assertion Criteria 2020. Collection method: clinical testing. Allele origin: inherited. Observed: 1 heterozygote. Study: CSER-NYCKidSeq.
Comment: The inherited heterozygous c.1056C>G (p.Asp352Glu) variant identified in the ANKRD11 gene has not been reported in affected individuals in the literature. The variant has 0.000006573 allele frequency in the gnomAD(v3) database (one out of 152132 heterozygous alleles, no homozygotes) suggesting it is not a common benign variant in the populations represented in that database. In Silico tools provide conflicting predictions about potential pathogenicity of this variant [CADD score= 21.2, REVEL score = 0.179]. Based on the available evidence, the inherited heterozygous c.1056C>G (p.Asp352Glu) variant identified in the ANKRD11 gene is reported as a variant of uncertain significance.

NM_013275.6(ANKRD11):c.1056C>G (p.Asp352Glu)

Gene: ANKRD11 (ankyrin repeat domain 11; minus strand). Cytogenetic location: 16q24.3.
Variant type: single nucleotide variant.
Coding change: c.1056C>G on transcript NM_013275.6 (MANE Select); coding-DNA position 1056, C replaced by G.
Protein change: p.Asp352Glu; replaces aspartic acid 352 with glutamic acid.
Molecular consequence: missense variant.
Genome position (GRCh38, 1-based): chr16:89,285,486, G>C on the plus strand (C>G on the coding strand, the complement: ANKRD11 is on the minus strand). VCF-style: chr16-89285486-G-C. GRCh37 (hg19) VCF-style: chr16-89351894-G-C.
Other names: c.1056C>G, p.Asp352Glu (NM_001256182.2, NM_001256183.2); c.1056C>G (NM_013275.4); short protein forms D352E.
Identifiers: ClinVar variation 1679745 (VCV001679745.2), dbSNP rs149211555, ClinGen allele CA286521972.